The following is an entry in ClinVar:

ClinVar aggregate classification (germline): Uncertain significance (1 of 4 stars; one submission).

Conditions:
Nemaline myopathy 8 (NEM8). Also called: Nemaline myopathy 8, autosomal recessive. Identifiers: Orphanet 171430, MedGen C3809209, MONDO:0014138, OMIM 615348.

gnomAD v4.1: 9 of 1,613,948 alleles (0.00056%); highest among the groups gnomAD compares: Non-Finnish European, 0.00076%; no homozygotes.

Submission:

Labcorp Genetics (formerly Invitae), Labcorp
Classification: Uncertain significance for Nemaline myopathy 8. Last evaluated: 2024-06-09. Review status: criteria provided, single submitter. Criteria: Invitae Variant Classification Sherloc (09022015). Collection method: clinical testing. Allele origin: germline.
Comment: This sequence change replaces glycine, which is neutral and non-polar, with glutamic acid, which is acidic and polar, at codon 274 of the KLHL40 protein (p.Gly274Glu). This variant is not present in population databases (gnomAD no frequency). This variant has not been reported in the literature in individuals affected with KLHL40-related conditions. Advanced modeling of protein sequence and biophysical properties (such as structural, functional, and spatial information, amino acid conservation, physicochemical variation, residue mobility, and thermodynamic stability) performed at Invitae indicates that this missense variant is not expected to disrupt KLHL40 protein function with a negative predictive value of 95%. In summary, the available evidence is currently insufficient to determine the role of this variant in disease. Therefore, it has been classified as a Variant of Uncertain Significance.

NM_152393.4(KLHL40):c.821G>A (p.Gly274Glu)

Gene: KLHL40 (kelch like family member 40; plus strand). Cytogenetic location: 3p22.1.
Variant type: single nucleotide variant.
Coding change: c.821G>A on transcript NM_152393.4 (MANE Select); coding-DNA position 821, G replaced by A.
Protein change: p.Gly274Glu; replaces glycine 274 with glutamic acid.
Molecular consequence: missense variant.
Genome position (GRCh38, 1-based): chr3:42,686,439, G>A. VCF-style: chr3-42686439-G-A. GRCh37 (hg19) VCF-style: chr3-42727931-G-A.
Other names: short protein forms G274E.
Identifiers: ClinVar variation 3613994 (VCV003613994.2).